The following is an entry in ClinVar:

NM_017654.4(SAMD9):c.1347T>C (p.Asn449=)

Gene: SAMD9 (sterile alpha motif domain containing 9; minus strand). Cytogenetic location: 7q21.2.
Variant type: single nucleotide variant.
Coding change: c.1347T>C on transcript NM_017654.4 (MANE Select); coding-DNA position 1347, T replaced by C.
Protein change: p.Asn449=; no amino-acid change (asparagine 449 retained).
Molecular consequence: synonymous variant.
Genome position (GRCh38, 1-based): chr7:93,104,751, A>G on the plus strand (T>C on the coding strand, the complement: SAMD9 is on the minus strand). VCF-style: chr7-93104751-A-G. GRCh37 (hg19) VCF-style: chr7-92734064-A-G.
Other names: c.1347T>C, p.Asn449= (NM_001193307.2).
Identifiers: ClinVar variation 788817 (VCV000788817.45), dbSNP rs150107667, ClinGen allele CA4342986.

ClinVar aggregate classification (germline): Benign/Likely benign. Review status: criteria provided, multiple submitters, no conflicts (2 of 4 stars). 8 submissions from 8 submitters: Benign (5); Likely benign (3). Last evaluated 2026-02-02.

Conditions:
Monosomy 7 myelodysplasia and leukemia syndrome 2. Identifiers: MedGen C5436668, MONDO:0030801, OMIM 619041.
Normophosphatemic familial tumoral calcinosis. Also called: CALCINOSIS, TUMORAL, WITH NORMOPHOSPHATEMIA. Identifiers: Orphanet 306658, Orphanet 53715, MedGen C1864861, MONDO:0012502, OMIM 610455.
MIRAGE syndrome. Also called: MYELODYSPLASIA, INFECTION, RESTRICTION OF GROWTH, ADRENAL HYPOPLASIA, GENITAL PHENOTYPES, AND ENTEROPATHY. Identifiers: Orphanet 494433, MedGen C4284088, MONDO:0014888, OMIM 617053.
Inborn genetic diseases. Identifiers: MedGen C0950123, MeSH D030342.

Allele frequency attached by ClinVar (database versions not stated): 1000 Genomes Project 0.00220; 1000 Genomes Project 30x 0.00234; gnomAD exomes 0.00437 and 0.00765; ExAC 0.00478; gnomAD 0.00516 and 0.00542; TOPMed 0.00545; ESP Exome Variant Server 0.00853.

Submissions (8):

Labcorp Genetics (formerly Invitae), Labcorp
Classification: Benign. Last evaluated: 2026-02-02. Review status: criteria provided, single submitter. Criteria: Invitae Variant Classification Sherloc (09022015). Collection method: clinical testing. Allele origin: germline.

ARUP Laboratories, Molecular Genetics and Genomics, ARUP Laboratories
Classification: Benign. Last evaluated: 2025-05-19. Review status: criteria provided, single submitter. Criteria: ARUP Molecular Germline Variant Investigation Process 2024. Collection method: clinical testing. Allele origin: germline.

CeGaT Center for Human Genetics Tuebingen
Classification: Likely benign. Last evaluated: 2025-02-01. Review status: criteria provided, single submitter. Criteria: CeGaT Center For Human Genetics Tuebingen Variant Classification Criteria Version 2. Collection method: clinical testing. Allele origin: germline. Affected: yes. Observed: 9 variant alleles.
Comment: SAMD9: BP4, BP7, BS2

Ambry Genetics
Classification: Likely benign for Inborn genetic diseases. Last evaluated: 2024-10-02. Review status: criteria provided, single submitter. Criteria: Ambry Variant Classification Scheme 2023. Collection method: clinical testing. Allele origin: germline.

Fulgent Genetics
Classification: Likely benign for Normophosphatemic familial tumoral calcinosis; MIRAGE syndrome; Monosomy 7 myelodysplasia and leukemia syndrome 2. Last evaluated: 2022-04-27. Review status: criteria provided, single submitter. Criteria: ACMG Guidelines, 2015. Collection method: clinical testing. Allele origin: unknown.

Genetic Services Laboratory, University of Chicago
Classification: Benign. Last evaluated: 2021-03-15. Review status: criteria provided, single submitter. Criteria: ACMG Guidelines, 2015. Collection method: clinical testing. Allele origin: germline. Affected: no.

GeneDx
Classification: Benign. Last evaluated: 2020-02-25. Review status: criteria provided, single submitter. Criteria: GeneDx Variant Classification Process June 2021. Collection method: clinical testing. Allele origin: germline. Affected: yes.

Breakthrough Genomics
Classification: Benign. Review status: criteria provided, single submitter. Criteria: ACMG Guidelines, 2015. Collection method: not provided. Allele origin: germline. Inheritance: Autosomal recessive inheritance. Affected: yes.